The following is an entry in ClinVar:

ClinVar aggregate classification (germline): Uncertain significance. Review status: criteria provided, multiple submitters, no conflicts (2 of 4 stars). 2 submissions from 2 submitters: Uncertain significance (2). Last evaluated 2025-12-30.

Conditions:
SLC51A-related disorder. Also called: SLC51A-related condition.

gnomAD v4.1: 33 of 1,614,082 alleles (0.002%); highest among the groups gnomAD compares: Non-Finnish European, 0.0025%; no homozygotes.

Submissions (2):

PreventionGenetics, part of Exact Sciences
Classification: Uncertain significance for SLC51A-related condition. Last evaluated: 2025-12-30. Review status: criteria provided, single submitter. Criteria: ACMG Guidelines, 2015. Collection method: clinical testing. Allele origin: germline.
Comment: The SLC51A c.923T>C variant is predicted to result in the amino acid substitution p.Leu308Pro. To our knowledge, this variant has not been reported in the literature. This variant is reported in 0.0046% of alleles in individuals of European (Finnish) descent in gnomAD. At this time, the clinical significance of this variant is uncertain due to the absence of conclusive functional and genetic evidence.

Ambry Genetics
Classification: Uncertain significance. Last evaluated: 2025-04-13. Review status: criteria provided, single submitter. Criteria: Ambry Variant Classification Scheme 2023. Collection method: clinical testing. Allele origin: germline.

NM_152672.6(SLC51A):c.923T>C (p.Leu308Pro)

Gene: SLC51A (solute carrier family 51 member A; plus strand). Cytogenetic location: 3q29.
Variant type: single nucleotide variant.
Coding change: c.923T>C on transcript NM_152672.6 (MANE Select); coding-DNA position 923, T replaced by C.
Protein change: p.Leu308Pro; replaces leucine 308 with proline.
Molecular consequence: missense variant.
Genome position (GRCh38, 1-based): chr3:196,233,099, T>C. VCF-style: chr3-196233099-T-C. GRCh37 (hg19) VCF-style: chr3-195959970-T-C.
Other names: short protein forms L308P.
Identifiers: ClinVar variation 3957297 (VCV003957297.2).